The following is an entry in ClinVar:

ClinVar aggregate classification (germline): Uncertain significance (1 of 4 stars; one submission).

Conditions:
Primary ciliary dyskinesia. Also called: Ciliary dyskinesia. Identifiers: Orphanet 244, MedGen C0008780, MONDO:0016575, HP:0012265.

Submission:

Labcorp Genetics (formerly Invitae), Labcorp
Classification: Uncertain significance for Primary ciliary dyskinesia. Last evaluated: 2025-10-29. Review status: criteria provided, single submitter. Criteria: Invitae Variant Classification Sherloc (09022015). Collection method: clinical testing. Allele origin: germline.
Comment: This sequence change replaces serine, which is neutral and polar, with arginine, which is basic and polar, at codon 2264 of the DNAH5 protein (p.Ser2264Arg). This variant is not present in population databases (gnomAD no frequency). This variant has not been reported in the literature in individuals affected with DNAH5-related conditions. Invitae Evidence Modeling of protein sequence and biophysical properties (such as structural, functional, and spatial information, amino acid conservation, physicochemical variation, residue mobility, and thermodynamic stability) indicates that this missense variant is not expected to disrupt DNAH5 protein function with a negative predictive value of 95%. This variant disrupts the p.Ser2264 amino acid residue in DNAH5. Other variant(s) that disrupt this residue have been determined to be pathogenic (PMID: 16627867, 31879361). This suggests that this residue is clinically significant, and that variants that disrupt this residue are likely to be disease-causing. In summary, the available evidence is currently insufficient to determine the role of this variant in disease. Therefore, it has been classified as a Variant of Uncertain Significance.

Literature cited by the submitters: PubMed 16627867; PubMed 31879361.

NM_001369.3(DNAH5):c.6792T>G (p.Ser2264Arg)

Gene: DNAH5 (dynein axonemal heavy chain 5; minus strand). Cytogenetic location: 5p15.2.
Variant type: single nucleotide variant.
Coding change: c.6792T>G on transcript NM_001369.3 (MANE Select); coding-DNA position 6792, T replaced by G.
Protein change: p.Ser2264Arg; replaces serine 2264 with arginine.
Molecular consequence: missense variant.
Genome position (GRCh38, 1-based): chr5:13,820,395, A>C on the plus strand (T>G on the coding strand, the complement: DNAH5 is on the minus strand). VCF-style: chr5-13820395-A-C. GRCh37 (hg19) VCF-style: chr5-13820504-A-C.
Other names: short protein forms S2264R.
Identifiers: ClinVar variation 4802711 (VCV004802711.1).